The following is an entry in ClinVar:

ClinVar aggregate classification (germline): Pathogenic/Likely pathogenic. Review status: criteria provided, multiple submitters, no conflicts (2 of 4 stars). 5 submissions from 5 submitters: Pathogenic (3); Likely pathogenic (1). 1 of the submissions does not count toward it. Last evaluated 2024-04-04.

Conditions:
Hereditary cancer-predisposing syndrome. Also called: Hereditary Cancer Syndrome; Hereditary neoplastic syndrome; Neoplastic Syndromes, Hereditary; Tumor predisposition. Identifiers: Orphanet 140162, MedGen C0027672, MeSH D009386, MONDO:0015356.
Familial multiple polyposis syndrome (FAP). Also called: Familial intestinal polyposis; Classic familial adenomatous polyposis; Familial adenomatous polyposis; Familial Adenomatous Polyposis (FAP); Familial polyposis. Identifiers: Orphanet 733, MedGen C0032580, MONDO:0021055. Disease mechanism: loss of function.
Familial adenomatous polyposis 1 (FAP1). Also called: FAMILIAL ADENOMATOUS POLYPOSIS 1, ATTENUATED; POLYPOSIS, ADENOMATOUS INTESTINAL. Identifiers: MedGen C2713442, MONDO:0021056, OMIM 175100. Disease mechanism: loss of function.

Submissions (5):

Ambry Genetics
Classification: Pathogenic for Hereditary cancer-predisposing syndrome. Last evaluated: 2024-04-04. Review status: criteria provided, single submitter. Criteria: Ambry Variant Classification Scheme 2023. Collection method: clinical testing. Allele origin: germline.
Comment: The c.531+2T>A intronic pathogenic mutation results from a T to A substitution two nucleotides after coding exon 4 in the APC gene. This alteration has been seen in individuals with a personal and family history consistent with APC-associated disease (Ambry internal data; Wang D et al. Med Sci Monit. 2019 May;25:3796-3803). This nucleotide position is highly conserved in available vertebrate species. In silico splice site analysis predicts that this alteration will weaken the native splice donor site. RNA studies have demonstrated that this alteration results in abnormal splicing in the set of samples tested (Ambry internal data). This variant is considered to be rare based on population cohorts in the Genome Aggregation Database (gnomAD). Alterations that disrupt the canonical splice site are expected to cause aberrant splicing, resulting in an abnormal protein or a transcript that is subject to nonsense-mediated mRNA decay. As such, this alteration is classified as a disease-causing mutation.

Myriad Genetics, Inc.
Classification: Pathogenic for Familial adenomatous polyposis 1. Last evaluated: 2023-04-27. Review status: criteria provided, single submitter. Criteria: Myriad Autosomal Dominant, Autosomal Recessive and X-Linked Classification Criteria (2023). Collection method: clinical testing. Allele origin: unknown.
Comment: This variant is considered pathogenic. This variant occurs within a consensus splice junction and is predicted to result in abnormal mRNA splicing of either an out-of-frame exon or an in-frame exon necessary for protein stability and/or normal function. mRNA analysis has demonstrated abnormal mRNA splicing occurs [PMID: 12010888].

Labcorp Genetics (formerly Invitae), Labcorp
Classification: Pathogenic for Familial adenomatous polyposis 1. Last evaluated: 2020-08-06. Review status: criteria provided, single submitter. Criteria: Invitae Variant Classification Sherloc (09022015). Collection method: clinical testing. Allele origin: germline.
Comment: For these reasons, this variant has been classified as Pathogenic. Donor and acceptor splice site variants typically lead to a loss of protein function (PMID: 16199547), and loss-of-function variants in APC are known to be pathogenic (PMID: 17963004, 20685668). Experimental studies have shown that disruption of this splice site affects mRNA splicing (PMID: 15459959). ClinVar contains an entry for this variant (Variation ID: 217994). Disruption of this splice site has been observed in individual(s) with clinical features of familial adenomatous polyposis (PMID: 12010888, 15459959, 22987206, 17411426, 20977806, 31113927, 20924072). ClinVar contains an entry for this variant (Variation ID: 217994). This variant is not present in population databases (ExAC no frequency). This sequence change affects a donor splice site in intron 5 of the APC gene. It is expected to disrupt RNA splicing and likely results in an absent or disrupted protein product.

Women's Health and Genetics/Laboratory Corporation of America, LabCorp
Classification: Likely pathogenic for Familial adenomatous polyposis. Last evaluated: 2019-12-31. Review status: criteria provided, single submitter. Criteria: LabCorp Variant Classification Summary - May 2015. Collection method: clinical testing. Allele origin: germline.
Comment: Variant summary: APC c.531+2T>A is located in a canonical splice-site and is predicted to affect mRNA splicing resulting in a significantly altered protein due to either exon skipping, shortening, or inclusion of intronic material. Several computational tools predict a significant impact on normal splicing:4 predict that the variant abolishes a 5' splicing donor site. However, these predictions have yet to be confirmed by functional studies. The variant was absent in 232438 control chromosomes (gnomAD). c.531+2T>A has been reported in the literature in at least one individual affected with mild Familial Adenomatous Polyposis (Wang_2019). These data do not allow any conclusion about variant significance. To our knowledge, no experimental evidence demonstrating an impact on protein function has been reported. One clinical diagnostic laboratory has submitted clinical-significance assessments for this variant to ClinVar after 2014 without evidence for independent evaluation and cited the variant as likely pathogenic. Based on the evidence outlined above, the variant was classified as likely pathogenic.

Mayo Clinic Laboratories, Mayo Clinic
Classification: Likely pathogenic. Review status: no assertion criteria provided. Collection method: research. Allele origin: unknown. Observed: 1 variant allele. Not counted in ClinVar's aggregate classification.

Literature cited by the submitters: PubMed 31113927 (cited by 3 submitters); PubMed 12010888 (cited by Myriad Genetics, Inc. and Labcorp Genetics (formerly Invitae), Labcorp); PubMed 16199547 (cited by Labcorp Genetics (formerly Invitae), Labcorp); PubMed 17963004 (cited by Labcorp Genetics (formerly Invitae), Labcorp); PubMed 20685668 (cited by Labcorp Genetics (formerly Invitae), Labcorp); PubMed 15459959 (cited by Labcorp Genetics (formerly Invitae), Labcorp); PubMed 22987206 (cited by Labcorp Genetics (formerly Invitae), Labcorp); PubMed 17411426 (cited by Labcorp Genetics (formerly Invitae), Labcorp); PubMed 20977806 (cited by Labcorp Genetics (formerly Invitae), Labcorp); PubMed 20924072 (cited by Labcorp Genetics (formerly Invitae), Labcorp).

NM_000038.6(APC):c.531+2T>A

Gene: APC (APC regulator of Wnt signaling pathway; plus strand). Cytogenetic location: 5q22.2.
Variant type: single nucleotide variant.
Coding change: c.531+2T>A on transcript NM_000038.6 (MANE Select); the canonical splice donor site of the intron after coding-DNA position 531, T replaced by A.
Molecular consequence: splice donor variant.
Genome position (GRCh38, 1-based): chr5:112,775,739, T>A. VCF-style: chr5-112775739-T-A. GRCh37 (hg19) VCF-style: chr5-112111436-T-A.
Other names: c.-505+2T>A (NM_001407470.1, NM_001407472.1, NM_001354906.2 and 1 more transcripts); c.531+2T>A (NM_001407447.1, NM_001354895.2, NM_001407456.1 and 16 more transcripts); c.561+2T>A (NM_001407446.1, NM_001354897.2, NM_001354902.2 and 1 more transcripts); c.354+2T>A (NM_001407453.1, NM_001354900.2, NM_001354901.2 and 1 more transcripts); c.456+2T>A (NM_001407451.1, NM_001354898.2, NM_001354904.2).
Identifiers: ClinVar variation 217994 (VCV000217994.21), dbSNP rs863225365, ClinGen allele CA279737.
Genomic context (GRCh38, chr5:112,775,739, plus strand): 5'-ATTACGCTCAACTTCAGAATCTCACTAAAAGAATAGATAGTCTTCCTTTAACTGAAAATG[T>A]AAGTAACTTGGCAGTACAACTTATTTGAAACTTTAATAACTTGATATTTTAAAGTACCTA-3'